The following is an entry in ClinVar:

NM_001347721.2(DYRK1A):c.764A>G (p.Lys255Arg)

Gene: DYRK1A (dual specificity tyrosine phosphorylation regulated kinase 1A; plus strand). Cytogenetic location: 21q22.13.
Variant type: single nucleotide variant.
Coding change: c.764A>G on transcript NM_001347721.2 (MANE Select); coding-DNA position 764, A replaced by G.
Protein change: p.Lys255Arg; replaces lysine 255 with arginine.
Molecular consequence: missense variant.
Genome position (GRCh38, 1-based): chr21:37,490,301, A>G. VCF-style: chr21-37490301-A-G. GRCh37 (hg19) VCF-style: chr21-38862603-A-G.
Other names: c.764A>G, p.Lys255Arg (NM_001347722.2, NM_130436.2); c.677A>G, p.Lys226Arg (NM_001347723.2); c.791A>G, p.Lys264Arg (NM_001396.5, NM_101395.2, NM_130438.2); short protein forms K226R, K255R, K264R.
Identifiers: ClinVar variation 2572787 (VCV002572787.1), dbSNP rs2518028103, ClinGen allele CA409947563.

ClinVar aggregate classification (germline): Uncertain significance (1 of 4 stars; one submission).

Submission:

GeneDx
Classification: Uncertain significance. Last evaluated: 2023-01-11. Review status: criteria provided, single submitter. Criteria: GeneDx Variant Classification Process June 2021. Collection method: clinical testing. Allele origin: germline. Affected: yes.
Comment: Not observed at significant frequency in large population cohorts (gnomAD); In silico analysis supports that this missense variant has a deleterious effect on protein structure/function; In silico analysis supports a deleterious effect on splicing; Has not been previously published as pathogenic or benign to our knowledge